The following is an entry in ClinVar:

ClinVar aggregate classification (germline): Uncertain significance (0 of 4 stars; one submission).

Conditions:
MKKS-related disorder. Also called: MKKS-related condition; MKKS-related disorders.

gnomAD v4.1: 1 of 1,612,824 alleles (0.000062%); highest among the groups gnomAD compares: African/African-American, 0.0013%; no homozygotes.

Submission:

PreventionGenetics, part of Exact Sciences
Classification: Uncertain significance for MKKS-related condition. Last evaluated: 2024-07-26. Review status: no assertion criteria provided. Collection method: clinical testing. Allele origin: germline.
Comment: The MKKS c.1690T>A variant is predicted to result in the amino acid substitution p.Tyr564Asn. To our knowledge, this variant has not been reported in the literature or in a large population database, indicating this variant is rare. At this time, the clinical significance of this variant is uncertain due to the absence of conclusive functional and genetic evidence.

NM_170784.3(MKKS):c.1690T>A (p.Tyr564Asn)

Gene: MKKS (MKKS centrosomal shuttling protein; minus strand). Cytogenetic location: 20p12.2.
Variant type: single nucleotide variant.
Coding change: c.1690T>A on transcript NM_170784.3 (MANE Select); coding-DNA position 1690, T replaced by A.
Protein change: p.Tyr564Asn; replaces tyrosine 564 with asparagine.
Molecular consequence: missense variant. On other transcripts: non-coding transcript variant (1).
Genome position (GRCh38, 1-based): chr20:10,405,270, A>T on the plus strand (T>A on the coding strand, the complement: MKKS is on the minus strand). VCF-style: chr20-10405270-A-T. GRCh37 (hg19) VCF-style: chr20-10385918-A-T.
Other names: c.1690T>A, p.Tyr564Asn (NM_018848.3); short protein forms Y564N.
Identifiers: ClinVar variation 3347074 (VCV003347074.1).